The following is an entry in ClinVar:

ClinVar aggregate classification (germline): Uncertain significance (1 of 4 stars; one submission).

Submission:

GeneDx
Classification: Uncertain significance. Last evaluated: 2026-09-19. Review status: criteria provided, single submitter. Criteria: GeneDx Variant Classification Process June 2021. Collection method: clinical testing. Allele origin: germline.
Comment: Not observed at significant frequency in large population cohorts (gnomAD); In silico analysis supports that this missense variant has a deleterious effect on protein structure/function; Has not been previously published as pathogenic or benign to our knowledge

NM_001127222.2(CACNA1A):c.5665A>G (p.Thr1889Ala)

Gene: CACNA1A (calcium voltage-gated channel subunit alpha1 A; minus strand). Cytogenetic location: 19p13.13.
Variant type: single nucleotide variant.
Coding change: c.5665A>G on transcript NM_001127222.2 (MANE Select); coding-DNA position 5665, A replaced by G.
Protein change: p.Thr1889Ala; replaces threonine 1889 with alanine.
Molecular consequence: missense variant.
Genome position (GRCh38, 1-based): chr19:13,224,733, T>C on the plus strand (A>G on the coding strand, the complement: CACNA1A is on the minus strand). VCF-style: chr19-13224733-T-C. GRCh37 (hg19) VCF-style: chr19-13335547-T-C.
Other names: c.5683A>G, p.Thr1895Ala (NM_023035.3, NM_000068.4); c.5668A>G, p.Thr1890Ala (NM_001127221.2); c.5674A>G, p.Thr1892Ala (NM_001174080.2); short protein forms T1889A, T1890A, T1892A, T1895A.
Identifiers: ClinVar variation 4074693 (VCV004074693.2).
Genomic context (GRCh38, chr19:13,224,733, plus strand): 5'-CAATCTTGATGTCCAGGGCTGTGCGGATCAGAGCCATGAGGGTGGAATTGAAGTGGACGG[T>C]GTTGTCATCTGCGACGGGCAGGTCCATCCGCAGAAGCCGCTACAGAAAACCCAAGGCAAG-3'
Protein context (NP_001120694.1, residues 1879-1899): RMDLPVADDN[Thr1889Ala]VHFNSTLMAL